The following is an entry in ClinVar:

ClinVar aggregate classification (germline): Uncertain significance (1 of 4 stars; one submission).

Conditions:
Bethlem myopathy 1A. Also called: Bethlem Muscular Dystrophy; MYOPATHY, BENIGN CONGENITAL, WITH CONTRACTURES; Bethlem myopathy 1. Identifiers: Orphanet 610, MedGen CN029274, MONDO:0024530, OMIM 158810.

Allele frequency attached by ClinVar (database versions not stated): ExAC 0.00001; gnomAD 0.00001 and 0.00002; gnomAD exomes 0.00001; TOPMed 0.00001; 1000 Genomes Project 30x 0.00016.

Submission:

Labcorp Genetics (formerly Invitae), Labcorp
Classification: Uncertain significance for Bethlem myopathy 1A. Last evaluated: 2024-07-12. Review status: criteria provided, single submitter. Criteria: Invitae Variant Classification Sherloc (09022015). Collection method: clinical testing. Allele origin: germline.
Comment: This sequence change falls in intron 23 of the COL6A1 gene. It does not directly change the encoded amino acid sequence of the COL6A1 protein. It affects a nucleotide within the consensus splice site. This variant is present in population databases (rs745511169, gnomAD 0.009%). This variant has not been reported in the literature in individuals affected with COL6A1-related conditions. ClinVar contains an entry for this variant (Variation ID: 938137). Variants that disrupt the consensus splice site are a relatively common cause of aberrant splicing (PMID: 17576681, 9536098). Algorithms developed to predict the effect of sequence changes on RNA splicing suggest that this variant may disrupt the consensus splice site. In summary, the available evidence is currently insufficient to determine the role of this variant in disease. Therefore, it has been classified as a Variant of Uncertain Significance.

Literature cited by the submitters: PubMed 17576681; PubMed 9536098.

NM_001848.3(COL6A1):c.1575+6T>C

Gene: COL6A1 (collagen type VI alpha 1 chain; plus strand). Cytogenetic location: 21q22.3.
Variant type: single nucleotide variant.
Coding change: c.1575+6T>C on transcript NM_001848.3 (MANE Select); 6 bases into the intron after coding-DNA position 1575, T replaced by C.
Molecular consequence: intron variant.
Genome position (GRCh38, 1-based): chr21:45,998,177, T>C. VCF-style: chr21-45998177-T-C. GRCh37 (hg19) VCF-style: chr21-47418091-T-C.
Identifiers: ClinVar variation 938137 (VCV000938137.10), dbSNP rs745511169, ClinGen allele CA10070402.